The following is an entry in ClinVar:

ClinVar aggregate classification (germline): Uncertain significance. Review status: criteria provided, multiple submitters, no conflicts (2 of 4 stars). 2 submissions from 2 submitters: Uncertain significance (2). Last evaluated 2026-04-02.

Conditions:
EGFR-related lung cancer (EGFR). Identifiers: MedGen CN130014.
Hereditary cancer-predisposing syndrome. Also called: Hereditary neoplastic syndrome; Neoplastic Syndromes, Hereditary; Tumor predisposition; Hereditary Cancer Syndrome. Identifiers: Orphanet 140162, MedGen C0027672, MeSH D009386, MONDO:0015356.

Submissions (2):

Ambry Genetics
Classification: Uncertain significance for Hereditary cancer-predisposing syndrome. Last evaluated: 2026-04-02. Review status: criteria provided, single submitter. Criteria: Ambry Variant Classification Scheme 2023. Collection method: clinical testing. Allele origin: germline.
Comment: The p.T892A variant (also known as c.2674A>G), located in coding exon 22 of the EGFR gene, results from an A to G substitution at nucleotide position 2674. The threonine at codon 892 is replaced by alanine, an amino acid with similar properties. This amino acid position is conserved. In addition, this alteration is predicted to be deleterious by in silico analysis. Based on the available evidence, the clinical significance of this variant remains unclear.

Labcorp Genetics (formerly Invitae), Labcorp
Classification: Uncertain significance for EGFR-related lung cancer. Last evaluated: 2025-12-15. Review status: criteria provided, single submitter. Criteria: Invitae Variant Classification Sherloc (09022015). Collection method: clinical testing. Allele origin: germline.
Comment: This sequence change replaces threonine, which is neutral and polar, with alanine, which is neutral and non-polar, at codon 892 of the EGFR protein (p.Thr892Ala). This variant is not present in population databases (gnomAD no frequency). This variant has not been reported in the literature in individuals affected with EGFR-related conditions. Invitae Evidence Modeling of protein sequence and biophysical properties (such as structural, functional, and spatial information, amino acid conservation, physicochemical variation, residue mobility, and thermodynamic stability) indicates that this missense variant is expected to disrupt EGFR protein function with a positive predictive value of 80%. In summary, the available evidence is currently insufficient to determine the role of this variant in disease. Therefore, it has been classified as a Variant of Uncertain Significance.

NM_005228.5(EGFR):c.2674A>G (p.Thr892Ala)

Gene: EGFR (epidermal growth factor receptor; plus strand). Cytogenetic location: 7p11.2.
Variant type: single nucleotide variant.
Coding change: c.2674A>G on transcript NM_005228.5 (MANE Select); coding-DNA position 2674, A replaced by G.
Protein change: p.Thr892Ala; replaces threonine 892 with alanine.
Molecular consequence: missense variant.
Genome position (GRCh38, 1-based): chr7:55,192,814, A>G. VCF-style: chr7-55192814-A-G. GRCh37 (hg19) VCF-style: chr7-55260507-A-G.
Other names: c.2539A>G, p.Thr847Ala (NM_001346897.2, NM_001346899.2); c.2674A>G, p.Thr892Ala (NM_001346898.2); c.2515A>G, p.Thr839Ala (NM_001346900.2); c.1873A>G, p.Thr625Ala (NM_001346941.2); short protein forms T625A, T839A, T847A, T892A.
Identifiers: ClinVar variation 4773723 (VCV004773723.2).